The following is an entry in ClinVar:

NM_024675.4(PALB2):c.2483G>A (p.Cys828Tyr)

Gene: PALB2 (partner and localizer of BRCA2; minus strand). Cytogenetic location: 16p12.2.
Variant type: single nucleotide variant.
Coding change: c.2483G>A on transcript NM_024675.4 (MANE Select); coding-DNA position 2483, G replaced by A.
Protein change: p.Cys828Tyr; replaces cysteine 828 with tyrosine.
Molecular consequence: missense variant. On other transcripts: intron variant (1).
Genome position (GRCh38, 1-based): chr16:23,629,671, C>T on the plus strand (G>A on the coding strand, the complement: PALB2 is on the minus strand). VCF-style: chr16-23629671-C-T. GRCh37 (hg19) VCF-style: chr16-23640992-C-T.
Other names: c.2423G>A, p.Cys808Tyr (NM_001407296.1); c.2483G>A, p.Cys828Tyr (NM_001407297.1, NM_001407298.1, NM_001407299.1 and 3 more transcripts); c.1598G>A, p.Cys533Tyr (NM_001407304.1, NM_001407305.1, NM_001407306.1 and 5 more transcripts); c.695G>A, p.Cys232Tyr (NM_001407312.1, NM_001407313.1); c.49-396G>A (NM_001407314.1); short protein forms C533Y, C808Y, C828Y, C232Y.
Identifiers: ClinVar variation 2774002 (VCV002774002.2), dbSNP rs1966855796, ClinGen allele CA395124028.

ClinVar aggregate classification (germline): Uncertain significance (1 of 4 stars; one submission).

Conditions:
Hereditary cancer-predisposing syndrome. Also called: Hereditary neoplastic syndrome; Hereditary Cancer Syndrome; Neoplastic Syndromes, Hereditary; Tumor predisposition. Identifiers: Orphanet 140162, MedGen C0027672, MeSH D009386, MONDO:0015356.

Allele frequency attached by ClinVar (database versions not stated): gnomAD exomes below 0.00001; TOPMed below 0.00001; gnomAD 0.00001.
gnomAD v4.1: 3 of 1,614,054 alleles (0.00019%); highest among the groups gnomAD compares: Non-Finnish European, 0.00025%; no homozygotes.

Submission:

Color Diagnostics, LLC DBA Color Health
Classification: Uncertain significance for Hereditary cancer-predisposing syndrome. Last evaluated: 2023-01-24. Review status: criteria provided, single submitter. Criteria: ACMG Guidelines, 2015. Collection method: clinical testing. Allele origin: germline.
Comment: This missense variant replaces cysteine with tyrosine at codon 828 of the PALB2 protein. Computational prediction suggests that this variant may not impact protein structure and function (internally defined REVEL score threshold <= 0.5, PMID: 27666373). To our knowledge, functional studies have not been reported for this variant. This variant has been reported in an individual affected with breast cancer and in a breast cancer case-control meta-analysis in 0/60466 cases and 2/53461 unaffected individuals (PMID: 33471991, 34130653; Leiden Open Variation Database DB-ID PALB2_010889). This variant also has been reported in an ovarian cancer case-control study in 1/6115 unaffected control individuals and absent in 6385 cases (PMID: 32546565). This variant has not been identified in the general population by the Genome Aggregation Database (gnomAD). The available evidence is insufficient to determine the role of this variant in disease conclusively. Therefore, this variant is classified as a Variant of Uncertain Significance.

Literature cited by the submitters: PubMed 32546565; PubMed 33471991; PubMed 34130653.